The following is an entry in ClinVar:

NM_000320.3(QDPR):c.53G>A (p.Gly18Asp)

Genes: QDPR (quinoid dihydropteridine reductase; minus strand), LOC129992304 (ATAC-STARR-seq lymphoblastoid silent region 15310; plus strand). Cytogenetic location: 4p15.32.
Variant type: single nucleotide variant.
Coding change: c.53G>A on transcript NM_000320.3 (MANE Select); coding-DNA position 53, G replaced by A.
Protein change: p.Gly18Asp; replaces glycine 18 with aspartic acid.
Molecular consequence: missense variant. On other transcripts: non-coding transcript variant (1).
Genome position (GRCh38, 1-based): chr4:17,512,002, C>T on the plus strand (G>A on the coding strand, the complement: QDPR is on the minus strand). VCF-style: chr4-17512002-C-T. GRCh37 (hg19) VCF-style: chr4-17513625-C-T.
Other names: c.53G>A, p.Gly18Asp (NM_001306140.2); short protein forms G18D.
Identifiers: ClinVar variation 4536946 (VCV004536946.1).

ClinVar aggregate classification (germline): Pathogenic (1 of 4 stars; one submission).

Conditions:
Dihydropteridine reductase deficiency (HPABH4C). Also called: BH4-Deficient Hyperphenylalaninemia C; HYPERPHENYLALANINEMIA, TETRAHYDROBIOPTERIN-DEFICIENT, DUE TO DHPR DEFICIENCY; QDPR DEFICIENCY; QUINOID DIHYDROPTERIDINE REDUCTASE DEFICIENCY; Phenylketonuria II; Hyperphenylalaninemia due to dihydropteridine reductase deficiency. Identifiers: Orphanet 226, Orphanet 238583, MedGen C0268465, MONDO:0009862, OMIM 261630.

gnomAD v4.1: 1 of 1,610,064 alleles (0.000062%); highest among the groups gnomAD compares: Middle Eastern, 0.017%; no homozygotes.

Submission:

Women's Health and Genetics/Laboratory Corporation of America, LabCorp
Classification: Pathogenic for Dihydropteridine reductase deficiency. Last evaluated: 2025-11-07. Review status: criteria provided, single submitter. Criteria: LabCorp Variant Classification Summary - May 2015. Collection method: clinical testing. Allele origin: germline.
Comment: Variant summary: QDPR c.53G>A (p.Gly18Asp) results in a non-conservative amino acid change, affecting a conserved Gly residue in the Rossmann fold, which functions to bind enzyme's nucleotide (NAD+) cofactor (Romstad_2000). Algorithms developed to predict the effect of missense changes on protein structure and function all suggest that this variant is likely to be disruptive. The variant was absent in 235208 control chromosomes (gnomAD). The variant, c.53G>A, has been observed in multiple homozygous individuals affected with Dihydropteridine Reductase Deficiency (e.g. Romstad_2000, Foroozani_2015, Khatami_2017, Ghanei_2023, Diaz-Moreno_2024), where several had low / undatable enzyme activity, and noted with good response to therapies. These data indicate that the variant is very likely to be associated with disease. To our knowledge, no experimental evidence demonstrating an impact on protein function has been reported. The following publications have been ascertained in the context of this evaluation (PMID: 11153907, 26006720, 27246466, 36646061, 39346013). No submitters have cited clinical-significance assessments for this variant to ClinVar. Based on the evidence outlined above, the variant was classified as pathogenic.

Literature cited by the submitters: PubMed 11153907; PubMed 26006720; PubMed 27246466; PubMed 39346013; PubMed 36646061.